The following is an entry in ClinVar:

NM_002528.7(NTHL1):c.-3G>C

Gene: NTHL1 (nth like DNA glycosylase 1; minus strand). Cytogenetic location: 16p13.3.
Variant type: single nucleotide variant.
Coding change: c.-3G>C on transcript NM_002528.7 (MANE Select); 3 bases upstream of the start codon, G replaced by C.
Molecular consequence: 5 prime UTR variant.
Genome position (GRCh38, 1-based): chr16:2,047,826, C>G on the plus strand (G>C on the coding strand, the complement: NTHL1 is on the minus strand). VCF-style: chr16-2047826-C-G. GRCh37 (hg19) VCF-style: chr16-2097827-C-G.
Other names: c.-3G>C (NM_001318193.2); c.-181G>C (NM_001318194.2).
Identifiers: ClinVar variation 821059 (VCV000821059.15), dbSNP rs751927624, ClinGen allele CA027647.

ClinVar aggregate classification (germline): Uncertain significance. Review status: criteria provided, multiple submitters, no conflicts (2 of 4 stars). 4 submissions from 4 submitters: Uncertain significance (4). Last evaluated 2025-10-11.

Conditions:
Hereditary cancer-predisposing syndrome. Also called: Neoplastic Syndromes, Hereditary; Tumor predisposition; Hereditary Cancer Syndrome; Hereditary neoplastic syndrome. Identifiers: Orphanet 140162, MedGen C0027672, MeSH D009386, MONDO:0015356.

Allele frequency attached by ClinVar (database versions not stated): gnomAD exomes 0.00001; ExAC 0.00002.
gnomAD v4.1: 9 of 1,593,528 alleles (0.00056%); highest among the groups gnomAD compares: East Asian, 0.0045%; no homozygotes.

Submissions (4):

Ambry Genetics
Classification: Uncertain significance for Hereditary cancer-predisposing syndrome. Last evaluated: 2025-10-11. Review status: criteria provided, single submitter. Criteria: Ambry Variant Classification Scheme 2023. Collection method: clinical testing. Allele origin: germline.
Comment: The p.G8R variant (also known as c.22G>C), located in coding exon 1 of the NTHL1 gene, results from a G to C substitution at nucleotide position 22. The glycine at codon 8 is replaced by arginine, an amino acid with dissimilar properties. This amino acid position is not well conserved in available vertebrate species. In addition, this alteration is predicted to be tolerated by in silico analysis. Since supporting evidence is limited at this time, the clinical significance of this alteration remains unclear.

Quest Diagnostics Nichols Institute San Juan Capistrano
Classification: Uncertain significance. Last evaluated: 2025-01-14. Review status: criteria provided, single submitter. Criteria: Quest Diagnostics criteria. Collection method: clinical testing. Allele origin: unknown.
Comment: The NTHL1 c.22G>C (p.Gly8Arg) variant has not been reported in individuals with NTHL1-related conditions in the published literature. The frequency of this variant in the general population (Genome Aggregation Database) is uninformative in the assessment of its pathogenicity. Analysis of this variant using bioinformatics tools for the prediction of the effect of amino acid changes on protein structure and function yielded predictions that this variant is benign. Based on the available information, we are unable to determine the clinical significance of this variant.

Labcorp Genetics (formerly Invitae), Labcorp
Classification: Uncertain significance. Last evaluated: 2025-01-07. Review status: criteria provided, single submitter. Criteria: Invitae Variant Classification Sherloc (09022015). Collection method: clinical testing. Allele origin: germline.
Comment: This sequence change replaces glycine, which is neutral and non-polar, with arginine, which is basic and polar, at codon 8 of the NTHL1 protein (p.Gly8Arg). The frequency data for this variant in the population databases is considered unreliable, as metrics indicate poor data quality at this position in the gnomAD database. This variant has not been reported in the literature in individuals affected with NTHL1-related conditions. ClinVar contains an entry for this variant (Variation ID: 821059). An algorithm developed to predict the effect of missense changes on protein structure and function (PolyPhen-2) suggests that this variant¬†is likely to be tolerated. In summary, the available evidence is currently insufficient to determine the role of this variant in disease. Therefore, it has been classified as a Variant of Uncertain Significance.

GeneDx
Classification: Uncertain significance. Last evaluated: 2019-04-25. Review status: criteria provided, single submitter. Criteria: GeneDx Variant Classification Process June 2021. Collection method: clinical testing. Allele origin: germline. Affected: yes.
Comment: Not observed at a significant frequency in large population cohorts (Lek et al., 2016); Has not been previously published as pathogenic or benign to our knowledge